The following is an entry in ClinVar:

ClinVar aggregate classification (germline): Pathogenic (1 of 4 stars; one submission).

Conditions:
Joubert syndrome. Also called: CEREBELLOPARENCHYMAL DISORDER IV; JOUBERT-BOLTSHAUSER SYNDROME; Familial aplasia of the vermis. Identifiers: Orphanet 475, MedGen C5979921, MONDO:0018772.

Submission:

Labcorp Genetics (formerly Invitae), Labcorp
Classification: Pathogenic for Joubert syndrome. Last evaluated: 2022-04-28. Review status: criteria provided, single submitter. Criteria: Invitae Variant Classification Sherloc (09022015). Collection method: clinical testing. Allele origin: germline.
Comment: This variant is a gross deletion of the genomic region encompassing exon(s) 1-3 of the TMEM216 gene, which includes the initiator codon. This deletion extends beyond the assayed region for this gene and therefore may encompass additional genes. It is expected to result in an absent or disrupted protein product. Loss-of-function variants in TMEM216 are known to be pathogenic (PMID: 20512146). This variant has not been reported in the literature in individuals affected with TMEM216-related conditions. For these reasons, this variant has been classified as Pathogenic.

Literature cited by the submitters: PubMed 20512146.

NC_000011.9:g.(?_61160094)_(61161458_?)del

Gene: TMEM216 (transmembrane protein 216; plus strand). Cytogenetic location: 11q12.2.
Variant type: Deletion.
Identifiers: ClinVar variation 2423925 (VCV002423925.6).